The following is an entry in ClinVar:

NM_002691.4(POLD1):c.606C>T (p.His202=)

Gene: POLD1 (DNA polymerase delta 1, catalytic subunit; plus strand). Cytogenetic location: 19q13.33.
Variant type: single nucleotide variant.
Coding change: c.606C>T on transcript NM_002691.4 (MANE Select); coding-DNA position 606, C replaced by T.
Protein change: p.His202=; no amino-acid change (histidine 202 retained).
Molecular consequence: synonymous variant. On other transcripts: non-coding transcript variant (1).
Genome position (GRCh38, 1-based): chr19:50,402,221, C>T. VCF-style: chr19-50402221-C-T. GRCh37 (hg19) VCF-style: chr19-50905478-C-T.
Other names: c.606C>T, p.His202= (NM_001256849.1, NM_001308632.1).
Identifiers: ClinVar variation 469370 (VCV000469370.25), dbSNP rs200405635, ClinGen allele CA9595833.
Genomic context (GRCh38, chr19:50,402,221, plus strand): 5'-CCCTCGGGAGGCCATTGGCTGGTCCCAGCTTCTTCCATCCACAGGCATGTTTGGGTACCA[C>T]GGGCACGGCCCCTCCCCGTTCCTGCGCATCACCGTGGCGCTGCCGCGCCTCGTGGCCCCG-3'
Protein context (NP_002682.2, residues 192-212): LCSRESMFGY[His202=]GHGPSPFLRI

ClinVar aggregate classification (germline): Benign/Likely benign. Review status: criteria provided, multiple submitters, no conflicts (2 of 4 stars). 6 submissions from 6 submitters: Benign (1); Likely benign (4). 1 of the submissions does not count toward it. Last evaluated 2026-01-18.

Conditions:
POLD1-related polyposis and colorectal cancer syndrome (CRCS10). Also called: Colorectal cancer 10; COLORECTAL CANCER, SUSCEPTIBILITY TO, ON CHROMOSOME 19q; Colorectal cancer, susceptibility to, 10. Identifiers: Orphanet 220460, MedGen C2675481, MONDO:0012953, OMIM 612591.
POLD1-related disorder. Also called: POLD1-related condition; POLD1-related disorders.
Hereditary cancer-predisposing syndrome. Also called: Neoplastic Syndromes, Hereditary; Hereditary neoplastic syndrome; Tumor predisposition; Hereditary Cancer Syndrome. Identifiers: Orphanet 140162, MedGen C0027672, MeSH D009386, MONDO:0015356.

Allele frequency attached by ClinVar (database versions not stated): gnomAD 0.00001.
gnomAD v4.1: 21 of 1,584,510 alleles (0.0013%); highest among the groups gnomAD compares: Admixed American, 0.014%; 1 homozygote.

Submissions (6):

Labcorp Genetics (formerly Invitae), Labcorp
Classification: Likely benign for POLD1-related polyposis and colorectal cancer syndrome. Last evaluated: 2026-01-18. Review status: criteria provided, single submitter. Criteria: Invitae Variant Classification Sherloc (09022015). Collection method: clinical testing. Allele origin: germline.

Ambry Genetics
Classification: Likely benign for Hereditary cancer-predisposing syndrome. Last evaluated: 2025-10-21. Review status: criteria provided, single submitter. Criteria: Ambry Variant Classification Scheme 2023. Collection method: clinical testing. Allele origin: germline.

Blueprint Genetics
Classification: Likely benign. Last evaluated: 2019-11-18. Review status: criteria provided, single submitter. Criteria: ACMG Guidelines, 2015. Collection method: clinical testing. Allele origin: germline.

GeneDx
Classification: Likely benign. Last evaluated: 2019-05-02. Review status: criteria provided, single submitter. Criteria: GeneDx Variant Classification Process June 2021. Collection method: clinical testing. Allele origin: germline. Affected: yes.
Comment: This variant is associated with the following publications: (PMID: 27149842)

Quest Diagnostics Nichols Institute San Juan Capistrano
Classification: Benign. Last evaluated: 2019-02-21. Review status: criteria provided, single submitter. Criteria: Quest Diagnostics criteria. Collection method: clinical testing. Allele origin: germline.

PreventionGenetics, part of Exact Sciences
Classification: Likely benign for POLD1-related condition. Last evaluated: 2019-07-30. Review status: no assertion criteria provided. Collection method: clinical testing. Allele origin: germline. Not counted in ClinVar's aggregate classification.
Comment: This variant is classified as likely benign based on ACMG/AMP sequence variant interpretation guidelines (Richards et al. 2015 PMID: 25741868, with internal and published modifications).